The following is an entry in ClinVar:

NM_002872.5(RAC2):c.449-6A>G

Gene: RAC2 (Rac family small GTPase 2; minus strand). Cytogenetic location: 22q13.1.
Variant type: single nucleotide variant.
Coding change: c.449-6A>G on transcript NM_002872.5 (MANE Select); 6 bases into the intron before coding-DNA position 449, A replaced by G.
Molecular consequence: intron variant.
Genome position (GRCh38, 1-based): chr22:37,226,809, T>C on the plus strand (A>G on the coding strand, the complement: RAC2 is on the minus strand). VCF-style: chr22-37226809-T-C. GRCh37 (hg19) VCF-style: chr22-37622849-T-C.
Identifiers: ClinVar variation 3698855 (VCV003698855.4).

ClinVar aggregate classification (germline): Likely benign. Review status: criteria provided, multiple submitters, no conflicts (2 of 4 stars). 2 submissions from 2 submitters: Likely benign (2). Last evaluated 2025-04-17.

Conditions:
Neutrophil immunodeficiency syndrome. Also called: Immunodeficiency 73A with defective neutrophil chemotaxis and leukocytosis. Identifiers: Orphanet 183707, MedGen C1842398, MONDO:0011988, OMIM 608203.

gnomAD v4.1: 3 of 1,611,672 alleles (0.00019%); highest among the groups gnomAD compares: Non-Finnish European, 0.00025%; no homozygotes.

Submissions (2):

Women's Health and Genetics/Laboratory Corporation of America, LabCorp
Classification: Likely benign. Last evaluated: 2025-04-17. Review status: criteria provided, single submitter. Criteria: LabCorp Variant Classification Summary - May 2015. Collection method: clinical testing. Allele origin: germline.
Comment: Variant summary: RAC2 c.449-6A>G alters a non-conserved nucleotide located at a position not widely known to affect splicing. Consensus agreement among computation tools predict no significant impact on normal splicing. However, these predictions have yet to be confirmed by functional studies. The variant was absent in 250252 control chromosomes. The available data on variant occurrences in the general population are insufficient to allow any conclusion about variant significance. To our knowledge, no occurrence of c.449-6A>G in individuals affected with RAC2-Related Disorders and no experimental evidence demonstrating its impact on protein function have been reported. ClinVar contains an entry for this variant (Variation ID: 3698855). Based on the evidence outlined above, the variant was classified as likely benign.

Labcorp Genetics (formerly Invitae), Labcorp
Classification: Likely benign for Neutrophil immunodeficiency syndrome. Last evaluated: 2025-01-28. Review status: criteria provided, single submitter. Criteria: Invitae Variant Classification Sherloc (09022015). Collection method: clinical testing. Allele origin: germline.